The following is an entry in ClinVar:

ClinVar aggregate classification (germline): Uncertain significance (1 of 4 stars; one submission).

Submission:

CeGaT Center for Human Genetics Tuebingen
Classification: Uncertain significance. Last evaluated: 2024-10-01. Review status: criteria provided, single submitter. Criteria: CeGaT Center For Human Genetics Tuebingen Variant Classification Criteria Version 2. Collection method: clinical testing. Allele origin: germline. Affected: yes. Observed: 1 variant allele.
Comment: JAG1: PM2, PP3

NM_000214.3(JAG1):c.1732T>C (p.Cys578Arg)

Gene: JAG1 (jagged canonical Notch ligand 1; minus strand). Cytogenetic location: 20p12.2.
Variant type: single nucleotide variant.
Coding change: c.1732T>C on transcript NM_000214.3 (MANE Select); coding-DNA position 1732, T replaced by C.
Protein change: p.Cys578Arg; replaces cysteine 578 with arginine.
Molecular consequence: missense variant.
Genome position (GRCh38, 1-based): chr20:10,647,092, A>G on the plus strand (T>C on the coding strand, the complement: JAG1 is on the minus strand). VCF-style: chr20-10647092-A-G. GRCh37 (hg19) VCF-style: chr20-10627740-A-G.
Other names: short protein forms C578R.
Identifiers: ClinVar variation 3389879 (VCV003389879.14).